The following is an entry in ClinVar:

ClinVar aggregate classification (germline): Conflicting classifications of pathogenicity. Review status: criteria provided, conflicting classifications (1 of 4 stars). 7 submissions from 7 submitters: Pathogenic (1); Uncertain significance (6). Last evaluated 2025-08-04.

Conditions:
MASS syndrome (OCTD). Also called: OVERLAP CONNECTIVE TISSUE DISEASE; MASS PHENOTYPE. Identifiers: MedGen C1858556, MONDO:0011431, OMIM 604308.
Progeroid and marfanoid aspect-lipodystrophy syndrome. Also called: MARFANOID-PROGEROID SYNDROME; MARFAN-PROGEROID-LIPODYSTROPHY SYNDROME; Marfan lipodystrophy syndrome; MARFANOID-PROGEROID-LIPODYSTROPHY SYNDROME. Identifiers: Orphanet 300382, MedGen C4310796, MONDO:0014831, OMIM 616914.
Ectopia lentis 1, isolated, autosomal dominant (ECTOL1). Identifiers: Orphanet 1885, MedGen C3541518, MONDO:0007514, OMIM 129600.
Weill-Marchesani syndrome 2, dominant. Also called: Weill-Marchesani Syndrome, Autosomal Dominant; FBN1-Related Weill-Marchesani Syndrome. Identifiers: Orphanet 2084, MedGen C1869115, MONDO:0012013, OMIM 608328.
Acromicric dysplasia (ACMICD). Also called: Acromicric skeletal dysplasia. Identifiers: Orphanet 969, MedGen C0265287, MONDO:0007055, OMIM 102370.
Geleophysic dysplasia 2 (GPHYSD2). Identifiers: Orphanet 2623, MedGen C3280054, MONDO:0013612, OMIM 614185.
Stiff skin syndrome (SSKS). Identifiers: Orphanet 2833, MedGen C1861456, MONDO:0008492, OMIM 184900.
Marfan syndrome (MFS). Also called: Marfan syndrome type 1; Marfan syndrome, classic; Marfan's syndrome; FBN1-Related Marfan Syndrome; MARFAN SYNDROME, TYPE I. Identifiers: Orphanet 284963, Orphanet 558, MedGen C0024796, MONDO:0007947, OMIM 154700.
Familial thoracic aortic aneurysm and aortic dissection (TAAD). Also called: Thoracic aortic aneurysms and dissections. Identifiers: Orphanet 91387, MedGen C4707243, MONDO:0019625.

Allele frequency attached by ClinVar (database versions not stated): gnomAD 0.00001; gnomAD exomes 0.00001; TOPMed 0.00001.
gnomAD v4.1: 17 of 1,614,028 alleles (0.0011%); highest among the groups gnomAD compares: South Asian, 0.0055%; no homozygotes.

Submissions (7):

Labcorp Genetics (formerly Invitae), Labcorp
Classification: Pathogenic for Marfan syndrome; Familial thoracic aortic aneurysm and aortic dissection. Last evaluated: 2025-08-04. Review status: criteria provided, single submitter. Criteria: Invitae Variant Classification Sherloc (09022015). Collection method: clinical testing. Allele origin: germline.
Comment: This sequence change replaces glycine, which is neutral and non-polar, with arginine, which is basic and polar, at codon 1353 of the FBN1 protein (p.Gly1353Arg). This variant is present in population databases (no rsID available, gnomAD 0.006%). This missense change has been observed in individuals with clinical features of FBN1-related conditions (PMID: 19293843, 31211624; internal data). ClinVar contains an entry for this variant (Variation ID: 521833). Invitae Evidence Modeling of protein sequence and biophysical properties (such as structural, functional, and spatial information, amino acid conservation, physicochemical variation, residue mobility, and thermodynamic stability) indicates that this missense variant is expected to disrupt FBN1 protein function with a positive predictive value of 95%. This variant disrupts the p.Gly1353 amino acid residue in FBN1. Other variant(s) that disrupt this residue have been observed in individuals with FBN1-related conditions (internal data), which suggests that this may be a clinically significant amino acid residue. For these reasons, this variant has been classified as Pathogenic.

Ambry Genetics
Classification: Uncertain significance for Familial thoracic aortic aneurysm and aortic dissection. Last evaluated: 2023-12-19. Review status: criteria provided, single submitter. Criteria: Ambry Variant Classification Scheme 2023. Collection method: clinical testing. Allele origin: germline.
Comment: The p.G1353R variant (also known as c.4057G>A), located in coding exon 32 of the FBN1 gene, results from a G to A substitution at nucleotide position 4057. The glycine at codon 1353 is replaced by arginine, an amino acid with dissimilar properties. This variant was detected in an individual reported to have probable Marfan syndrome who did not meet Ghent criteria at the time of study, and who had another FBN1 variant detected (Stheneur C et al. Eur. J. Hum. Genet. 2009 Sep;17:1121-8). This variant has also been detected in an autism cohort (Iossifov I et al. Nature, 2014 Nov;515:216-21). This amino acid position is highly conserved in available vertebrate species. In addition, this alteration is predicted to be deleterious by in silico analysis. Since supporting evidence is limited at this time, the clinical significance of this alteration remains unclear.

All of Us Research Program, National Institutes of Health
Classification: Uncertain significance for Marfan syndrome. Last evaluated: 2023-11-02. Review status: criteria provided, single submitter. Criteria: ACMG Guidelines, 2015. Collection method: clinical testing. Allele origin: germline. Inheritance: Autosomal dominant inheritance. Observed: 4 variant alleles, 4 heterozygotes.
Comment: This missense variant replaces glycine with arginine at codon 1353 of the FBN1 protein. Computational prediction suggests that this variant may have deleterious impact on protein structure and function (internally defined REVEL score threshold >= 0.7, PMID: 27666373). To our knowledge, functional studies have not been reported for this variant. This variant has been reported in cis with p.Cys793Arg variant in an individual affected with Marfan syndrome (PMID: 19293843) and in an individual affected with thoracic aortic dissection (Wolford and Hornsby, et al., 2018). This variant has been identified in 2/251352 chromosomes in the general population by the Genome Aggregation Database (gnomAD). The available evidence is insufficient to determine the role of this variant in disease conclusively. Therefore, this variant is classified as a Variant of Uncertain Significance.

This study involves interpretation of variants in research participants for the purpose of population health screening. Participant phenotype was not available at the time of variant classification. Additional details can be found in publication PMID: 35346344, PMCID: PMC8962531

Color Diagnostics, LLC DBA Color Health
Classification: Uncertain significance for Familial thoracic aortic aneurysm and aortic dissection. Last evaluated: 2023-06-14. Review status: criteria provided, single submitter. Criteria: ACMG Guidelines, 2015. Collection method: clinical testing. Allele origin: germline.
Comment: This missense variant replaces glycine with arginine at codon 1353 of the FBN1 protein. Computational prediction suggests that this variant may have deleterious impact on protein structure and function (internally defined REVEL score threshold >= 0.7, PMID: 27666373). To our knowledge, functional studies have not been reported for this variant. This variant has been reported in cis with p.Cys793Arg variant in an individual affected with Marfan syndrome (PMID: 19293843) and in an individual affected with thoracic aortic dissection (PMID: 31211624). This variant has been identified in 2/251352 chromosomes in the general population by the Genome Aggregation Database (gnomAD). The available evidence is insufficient to determine the role of this variant in disease conclusively. Therefore, this variant is classified as a Variant of Uncertain Significance.

Baylor Genetics
Classification: Uncertain significance for Marfan syndrome. Last evaluated: 2022-08-04. Review status: criteria provided, single submitter. Criteria: ACMG Guidelines, 2015. Collection method: clinical testing. Allele origin: unknown.

Fulgent Genetics
Classification: Uncertain significance for Acromicric dysplasia; Ectopia lentis 1, isolated, autosomal dominant; Marfan syndrome; Stiff skin syndrome; MASS syndrome; Weill-Marchesani syndrome 2, dominant; Geleophysic dysplasia 2; Progeroid and marfanoid aspect-lipodystrophy syndrome. Last evaluated: 2021-09-21. Review status: criteria provided, single submitter. Criteria: ACMG Guidelines, 2015. Collection method: clinical testing. Allele origin: unknown.

Women's Health and Genetics/Laboratory Corporation of America, LabCorp
Classification: Uncertain significance. Last evaluated: 2017-11-09. Review status: criteria provided, single submitter. Criteria: LabCorp Variant Classification Summary - May 2015. Collection method: clinical testing. Allele origin: germline.
Comment: Variant summary: The FBN1 c.4057G>A (p.Gly1353Arg) variant involves the alteration of a conserved nucleotide that lies within one of the EGF-like calcium-binding domains (InterPro). 4/4 in silico tools predict a damaging outcome for this variant (SNPsandGO not captured due to low reliability index). This variant was found in 2/246104 control chromosomes at a frequency of 0.0000081, which does not exceed the estimated maximal expected allele frequency of a pathogenic FBN1 variant (0.0001125). Taken together, this variant is classified as VUS until additional information becomes available.

Literature cited by the submitters: PubMed 19293843 (cited by 5 submitters); PubMed 31211624 (cited by Labcorp Genetics (formerly Invitae), Labcorp and Color Diagnostics, LLC DBA Color Health); PubMed 25363768 (cited by Ambry Genetics).

NM_000138.5(FBN1):c.4057G>A (p.Gly1353Arg)

Gene: FBN1 (fibrillin 1; minus strand). Cytogenetic location: 15q21.1.
Variant type: single nucleotide variant.
Coding change: c.4057G>A on transcript NM_000138.5 (MANE Select); coding-DNA position 4057, G replaced by A.
Protein change: p.Gly1353Arg; replaces glycine 1353 with arginine.
Molecular consequence: missense variant.
Genome position (GRCh38, 1-based): chr15:48,474,558, C>T on the plus strand (G>A on the coding strand, the complement: FBN1 is on the minus strand). VCF-style: chr15-48474558-C-T. GRCh37 (hg19) VCF-style: chr15-48766755-C-T.
Other names: short protein forms G1353R.
Identifiers: ClinVar variation 521833 (VCV000521833.17), dbSNP rs187177496, ClinGen allele CA392320464.